The following is an entry in ClinVar:

ClinVar aggregate classification (germline): Uncertain significance (1 of 4 stars; one submission).

Conditions:
Ataxia-telangiectasia syndrome (AT). Also called: Ataxia-telangiectasia, complementation group D; AT, COMPLEMENTATION GROUP C; Ataxia-telangiectasia; Ataxia telangiectasia (A-T); Ataxia-telangiectasia, complementation group E; Cerebello-oculocutaneous telangiectasia. Identifiers: Orphanet 100, MedGen C0004135, MONDO:0008840, OMIM 208900.

Submission:

Labcorp Genetics (formerly Invitae), Labcorp
Classification: Uncertain significance for Ataxia-telangiectasia syndrome. Last evaluated: 2022-08-23. Review status: criteria provided, single submitter. Criteria: Invitae Variant Classification Sherloc (09022015). Collection method: clinical testing. Allele origin: germline.
Comment: This variant, c.3238_3240del, results in the deletion of 1 amino acid(s) of the ATM protein (p.Asp1080del), but otherwise preserves the integrity of the reading frame. This variant is not present in population databases (gnomAD no frequency). This variant has not been reported in the literature in individuals affected with ATM-related conditions. ClinVar contains an entry for this variant (Variation ID: 1408915). Experimental studies and prediction algorithms are not available or were not evaluated, and the functional significance of this variant is currently unknown. In summary, the available evidence is currently insufficient to determine the role of this variant in disease. Therefore, it has been classified as a Variant of Uncertain Significance.

NM_000051.4(ATM):c.3238_3240del (p.Asp1080del)

Gene: ATM (ATM serine/threonine kinase; plus strand). Cytogenetic location: 11q22.3.
Variant type: Deletion.
Coding change: c.3238_3240del on transcript NM_000051.4 (MANE Select); coding-DNA positions 3238 to 3240, 3 bases deleted (GAC; older notation c.3238_3240delGAC).
Protein change: p.Asp1080del; deletes aspartic acid 1080.
Molecular consequence: inframe deletion.
Genome position (GRCh38, 1-based): chr11:108,272,806-108,272,808, GAC deleted. VCF-style (leftmost placement, unchanged base first): chr11-108272805-TGAC-T. GRCh37 (hg19) VCF-style: chr11-108143532-TGAC-T.
Other names: c.3238_3240del, p.Asp1080del (NM_001351834.2); short protein forms D1080del.
Identifiers: ClinVar variation 1408915 (VCV001408915.8), dbSNP rs2135572079, ClinGen allele CA2573146657.
Genomic context (GRCh38, chr11:108,272,805, plus strand): 5'-CATTCTTAATGTAATGGGAAAAGACTTTCCTGTAAATGAAGTATTTACACAATTTCTTGC[TGAC>T]AATCATCACCAAGTTCGCATGTTGGCTGCAGAGTCAATCAATAGGTAATGGGTCAAATAT-3'